The following is an entry in ClinVar:

ClinVar aggregate classification (germline): Likely pathogenic. Review status: criteria provided, multiple submitters, no conflicts (2 of 4 stars). 2 submissions from 2 submitters: Likely pathogenic (2). Last evaluated 2024-05-28.

Conditions:
ATP2C1-related disorder. Also called: ATP2C1-related condition.

gnomAD v4.1: 2 of 1,613,180 alleles (0.00012%); highest among the groups gnomAD compares: Non-Finnish European, 0.00017%; no homozygotes.

Submissions (2):

Labcorp Genetics (formerly Invitae), Labcorp
Classification: Likely pathogenic. Last evaluated: 2024-05-28. Review status: criteria provided, single submitter. Criteria: Invitae Variant Classification Sherloc (09022015). Collection method: clinical testing. Allele origin: germline.
Comment: This sequence change replaces isoleucine, which is neutral and non-polar, with valine, which is neutral and non-polar, at codon 580 of the ATP2C1 protein (p.Ile580Val). This variant is present in population databases (no rsID available, gnomAD 0.003%). This missense change has been observed in individual(s) with Hailey-Hailey disease (PMID: 11841554, 31983024). In at least one individual the variant was observed to be de novo. Advanced modeling of protein sequence and biophysical properties (such as structural, functional, and spatial information, amino acid conservation, physicochemical variation, residue mobility, and thermodynamic stability) performed at Invitae indicates that this missense variant is not expected to disrupt ATP2C1 protein function with a negative predictive value of 80%. Experimental studies are conflicting or provide insufficient evidence to determine the effect of this variant on ATP2C1 function (PMID: 12707275, 31455819). Algorithms developed to predict the effect of sequence changes on RNA splicing suggest that this variant may disrupt the consensus splice site. In summary, the currently available evidence indicates that the variant is pathogenic, but additional data are needed to prove that conclusively. Therefore, this variant has been classified as Likely Pathogenic.

Blueprint Genetics
Classification: Likely pathogenic for ATP2C1-related disorders. Last evaluated: 2022-11-08. Review status: criteria provided, single submitter. Criteria: ACMG Guidelines, 2015. Collection method: clinical testing. Allele origin: germline. Affected: yes. Observed: 1 variant allele.

Literature cited by the submitters: PubMed 11841554 (cited by Labcorp Genetics (formerly Invitae), Labcorp); PubMed 31983024 (cited by Labcorp Genetics (formerly Invitae), Labcorp); PubMed 12707275 (cited by Labcorp Genetics (formerly Invitae), Labcorp); PubMed 31455819 (cited by Labcorp Genetics (formerly Invitae), Labcorp).

NM_001378687.1(ATP2C1):c.1738A>G (p.Ile580Val)

Gene: ATP2C1 (ATPase secretory pathway Ca2+ transporting 1; plus strand). Cytogenetic location: 3q22.1.
Variant type: single nucleotide variant.
Coding change: c.1738A>G on transcript NM_001378687.1 (MANE Select); coding-DNA position 1738, A replaced by G.
Protein change: p.Ile580Val; replaces isoleucine 580 with valine.
Molecular consequence: missense variant.
Genome position (GRCh38, 1-based): chr3:130,979,416, A>G. VCF-style: chr3-130979416-A-G. GRCh37 (hg19) VCF-style: chr3-130698260-A-G.
Other names: c.1738A>G, p.Ile580Val (NM_001001485.3, NM_001001486.2, NM_001001487.2 and 5 more transcripts); c.1840A>G, p.Ile614Val (NM_001199180.2, NM_001199181.3, NM_001378511.1); c.1723A>G, p.Ile575Val (NM_001199182.2); c.1690A>G, p.Ile564Val (NM_001199183.2, NM_001199184.3, NM_001378514.1); short protein forms I575V, I614V, I564V, I580V.
Identifiers: ClinVar variation 3720536 (VCV003720536.3).
Genomic context (GRCh38, chr3:130,979,416, plus strand): 5'-ATTGCCTCAGGAGTATCAATAAAAATGATTACTGGAGATTCACAGGAGACTGCAGTTGCA[A>G]TCGGTATAACTAGACTGCTTTCTTTTGTTTTCGATAGTTTTTCTTAAAATACTGTGGTGC-3'
Protein context (NP_001365616.1, residues 570-590): TGDSQETAVA[Ile580Val]ASRLGLYSKT